The following is an entry in ClinVar:

ClinVar aggregate classification (germline): Uncertain significance. Review status: criteria provided, multiple submitters, no conflicts (2 of 4 stars). 2 submissions from 2 submitters: Uncertain significance (2). Last evaluated 2025-07-01.

Conditions:
MED12L-related disorder. Also called: MED12L-related condition.
Nizon-Isidor syndrome. Identifiers: MedGen C5394350, MONDO:0030030, OMIM 618872.

Submissions (2):

PreventionGenetics, part of Exact Sciences
Classification: Uncertain significance for MED12L-related condition. Last evaluated: 2025-07-01. Review status: criteria provided, single submitter. Criteria: ACMG Guidelines, 2015. Collection method: clinical testing. Allele origin: germline.
Comment: The MED12L c.5239C>G variant is predicted to result in the amino acid substitution p.Pro1747Ala. To our knowledge, this variant has not been reported in the literature or in a large population database (gnomAD), indicating this variant is rare. At this time, the clinical significance of this variant is uncertain due to the absence of conclusive functional and genetic evidence.

Laboratorio de Genetica e Diagnostico Molecular, Hospital Israelita Albert Einstein
Classification: Uncertain significance for Nizon-Isidor syndrome. Last evaluated: 2023-12-22. Review status: criteria provided, single submitter. Criteria: ACMG Guidelines, 2015. Collection method: clinical testing. Allele origin: germline. Affected: yes.
Comment: ACMG classification criteria: PM2 moderate, PP2 supporting, BP4 supporting

NM_001393769.1(MED12L):c.5344C>G (p.Pro1782Ala)

Gene: MED12L (mediator complex subunit 12L; plus strand). Cytogenetic location: 3q25.1.
Variant type: single nucleotide variant.
Coding change: c.5344C>G on transcript NM_001393769.1 (MANE Select); coding-DNA position 5344, C replaced by G.
Protein change: p.Pro1782Ala; replaces proline 1782 with alanine.
Molecular consequence: missense variant.
Genome position (GRCh38, 1-based): chr3:151,388,065, C>G. VCF-style: chr3-151388065-C-G. GRCh37 (hg19) VCF-style: chr3-151105853-C-G.
Other names: c.5239C>G, p.Pro1747Ala (NM_053002.6); c.5239C>G (NM_053002.5); short protein forms P1747A, P1782A.
Identifiers: ClinVar variation 4056609 (VCV004056609.2).
Genomic context (GRCh38, chr3:151,388,065, plus strand): 5'-CCACTGCCCCTGCCTCCTGAGGAGGAAGAGGAAGAGCCCACATCTCCAGTTTCTCAGGAA[C>G]CAGAAAGGAAGTCCGCTGAGCTGTCAGATCAGGGAAAAACCACAACAGATGAAGAAAAGA-3'
Protein context (NP_001380698.1, residues 1772-1792): EEPTSPVSQE[Pro1782Ala]ERKSAELSDQ